The following is an entry in ClinVar:

ClinVar aggregate classification (germline): Conflicting classifications of pathogenicity. Review status: criteria provided, conflicting classifications (1 of 4 stars). 3 submissions from 3 submitters: Uncertain significance (2); Likely benign (1). Last evaluated 2025-07-07.

Conditions:
Hereditary cancer-predisposing syndrome. Also called: Neoplastic Syndromes, Hereditary; Hereditary Cancer Syndrome; Tumor predisposition; Hereditary neoplastic syndrome. Identifiers: Orphanet 140162, MedGen C0027672, MeSH D009386, MONDO:0015356.
Familial cancer of breast. Also called: Hereditary breast cancer; BREAST CANCER, FAMILIAL; hereditary breast carcinoma. Identifiers: Orphanet 227535, MedGen C0346153, MONDO:0016419, OMIM 114480. Disease mechanism: loss of function.
Hereditary breast ovarian cancer syndrome. Also called: Hereditary breast and ovarian cancer; Hereditary breast and/or ovarian cancer syndrome; Hereditary breast and ovarian cancer syndrome; Hereditary breast and ovarian cancer syndrome (HBOC); Breast and ovarian cancer; BRCA1- and BRCA2-Associated Hereditary Breast and Ovarian Cancer. Identifiers: Orphanet 145, MedGen C0677776, MeSH D061325, MONDO:0003582. Disease mechanism: loss of function.

Submissions (3):

KCCC/NGS Laboratory, Kuwait Cancer Control Center
Classification: Uncertain significance for Familial cancer of breast. Last evaluated: 2025-07-07. Review status: criteria provided, single submitter. Criteria: ACMG Guidelines, 2015. Collection method: clinical testing. Allele origin: germline. Inheritance: Autosomal dominant inheritance. Affected: yes. Observed: 1 heterozygote.
Comment: This sequence change replaces lysine with threonine at codon 1795 of the BRCA2 protein (p.Lys1795Thr). The lysine residue is weakly conserved and there is a moderate physicochemical difference between lysine and threonine. This amino acid postion not highly conservative (PhyloP= -0/69) . This variant is not present in population databases (ExAC no frequency). This variant has not been reported in the literature in individuals affected with BRCA2-related conditions. In silico predication (PolyPhen and sift ) show this variant is not disease causing. In summary, the available evidence is currently insufficient to determine the role of this variant in disease. Therefore, it has been classified as a Variant of Uncertain Significance.

University of Washington Department of Laboratory Medicine, University of Washington
Classification: Likely benign for Hereditary cancer-predisposing syndrome. Last evaluated: 2023-03-23. Review status: criteria provided, single submitter. Criteria: Dines et al. (Genet Med. 2020). Collection method: curation. Allele origin: germline.
Comment: Missense variant in a coldspot region where missense variants are very unlikely to be pathogenic (PMID:31911673).

BRCA2 exon 11 coldspot. Reclassification based on statistical prior probability.

Labcorp Genetics (formerly Invitae), Labcorp
Classification: Uncertain significance for Hereditary breast ovarian cancer syndrome. Last evaluated: 2021-08-12. Review status: criteria provided, single submitter. Criteria: Invitae Variant Classification Sherloc (09022015). Collection method: clinical testing. Allele origin: germline.
Comment: In summary, the available evidence is currently insufficient to determine the role of this variant in disease. Therefore, it has been classified as a Variant of Uncertain Significance. Advanced modeling of protein sequence and biophysical properties (such as structural, functional, and spatial information, amino acid conservation, physicochemical variation, residue mobility, and thermodynamic stability) performed at Invitae indicates that this missense variant is not expected to disrupt BRCA2 protein function. This variant has not been reported in the literature in individuals affected with BRCA2-related conditions. This variant is not present in population databases (ExAC no frequency). This sequence change replaces lysine with threonine at codon 1795 of the BRCA2 protein (p.Lys1795Thr). The lysine residue is weakly conserved and there is a moderate physicochemical difference between lysine and threonine.

NM_000059.4(BRCA2):c.5384A>C (p.Lys1795Thr)

Gene: BRCA2 (BRCA2 DNA repair associated; plus strand). Cytogenetic location: 13q13.1.
Variant type: single nucleotide variant.
Coding change: c.5384A>C on transcript NM_000059.4 (MANE Select); coding-DNA position 5384, A replaced by C.
Protein change: p.Lys1795Thr; replaces lysine 1795 with threonine.
Molecular consequence: missense variant.
Genome position (GRCh38, 1-based): chr13:32,339,739, A>C. VCF-style: chr13-32339739-A-C. GRCh37 (hg19) VCF-style: chr13-32913876-A-C.
Other names: c.5384A>C (NM_000059.3); short protein forms K1795T.
Identifiers: ClinVar variation 1374574 (VCV001374574.7), dbSNP rs1566232357, ClinGen allele CA387785220.